The following is an entry in ClinVar:

ClinVar aggregate classification (germline): Uncertain significance (1 of 4 stars; one submission).

Conditions:
Kabuki syndrome 1 (KABUK1). Also called: KMT2D-Related Kabuki Syndrome. Identifiers: Orphanet 2322, MedGen CN030661, MONDO:0007843, OMIM 147920.

Submission:

Servicio de Genética Del Instituto Nacional de Salud Del Niño, Ministerio de Salud
Classification: Uncertain significance for Kabuki syndrome 1. Last evaluated: 2024-11-18. Review status: criteria provided, single submitter. Criteria: ACMG Guidelines, 2015. Collection method: clinical testing. Allele origin: germline. Inheritance: Autosomal dominant inheritance.
Comment: The variant NM_003482.4:c.2751G>T, p.Leu917Phe results in the substitution of leucine with phenylalanine at position 917 in the protein. Both leucine and phenylalanine are hydrophobic amino acids, but phenylalanine has a larger aromatic side chain, which could alter the protein's structure or function. The variant is absent or rare in population databases (PM2), suggesting that it is not commonly found in the general population, which raises concerns about its pathogenic potential. However, additional functional or clinical data is lacking to fully assess its impact (PP2). Based on this, the variant is classified as uncertain significance.

NM_003482.4(KMT2D):c.2751G>T (p.Leu917Phe)

Gene: KMT2D (lysine methyltransferase 2D; minus strand). Cytogenetic location: 12q13.12.
Variant type: single nucleotide variant.
Coding change: c.2751G>T on transcript NM_003482.4 (MANE Select); coding-DNA position 2751, G replaced by T.
Protein change: p.Leu917Phe; replaces leucine 917 with phenylalanine.
Molecular consequence: missense variant.
Genome position (GRCh38, 1-based): chr12:49,050,932, C>A on the plus strand (G>T on the coding strand, the complement: KMT2D is on the minus strand). VCF-style: chr12-49050932-C-A. GRCh37 (hg19) VCF-style: chr12-49444715-C-A.
Other names: short protein forms L917F.
Identifiers: ClinVar variation 3381241 (VCV003381241.2).
Genomic context (GRCh38, chr12:49,050,932, plus strand): 5'-TAACATCCCCTTACCTGGTGGCATCAGCTGAGGCGACAAGGATGGCTCCCCAGATGGGGA[C>A]AACGGCAGCTCCTCGGGCAGAGGGGACAGAGGTGGTTCCCCAGGCTCAGACAGGGCTGGC-3'
Protein context (NP_003473.3, residues 907-927): PLSPLPEELP[Leu917Phe]SPSGEPSLSP